The following is an entry in ClinVar:

ClinVar aggregate classification (germline): Pathogenic (1 of 4 stars; one submission).

Conditions:
Hereditary factor IX deficiency disease (HEMB). Also called: F9 DEFICIENCY; FACTOR IX DEFICIENCY; Christmas Disease; PLASMA THROMBOPLASTIN COMPONENT DEFICIENCY; Hemophilia B. Identifiers: Orphanet 98879, MedGen C0008533, MeSH D002836, MONDO:0010604, OMIM 306900.
Thrombophilia, X-linked, due to factor 9 defect. Identifiers: MedGen C2749016, MONDO:0010432, OMIM 300807.

Submission:

Labcorp Genetics (formerly Invitae), Labcorp
Classification: Pathogenic for Thrombophilia, X-linked, due to factor IX defect; Hereditary factor IX deficiency disease. Last evaluated: 2018-10-03. Review status: criteria provided, single submitter. Criteria: Invitae Variant Classification Sherloc (09022015). Collection method: clinical testing. Allele origin: germline.
Comment: A gross deletion of the genomic region encompassing the full coding sequence of the F9 gene has been identified. The boundaries of this event are unknown as the deletion extends beyond the assayed region for this gene and therefore may encompass additional genes. Whole gene deletions of F9 have been reported in numerous individuals with hemophilia B (PMID: 24375831, 8304338, 3029178, 2198809, 4045960). Loss-of-function variants in F9 are known to be pathogenic (PMID: 20301668). For these reasons, this variant has been classified as Pathogenic.

Literature cited by the submitters: PubMed 3029178; PubMed 2198809; PubMed 24375831; PubMed 8304338; PubMed 4045960.

NC_000023.10:g.(?_138612860)_(139587225_?)del

Genes: ATP11C (ATPase phospholipid transporting 11C (ATP11C blood group); minus strand), CXorf66 (chromosome X open reading frame 66; minus strand), F9 (coagulation factor IX; plus strand), MCF2 (MCF.2 cell line derived transforming sequence; minus strand), SOX3 (SRY-box transcription factor 3; minus strand). Cytogenetic location: Xq27.1.
Variant type: Deletion.
Identifiers: ClinVar variation 665638 (VCV000665638.1).